The following is an entry in ClinVar:

ClinVar aggregate classification (germline): Pathogenic (1 of 4 stars; one submission).

Conditions:
Hypogonadotropic hypogonadism 2 with or without anosmia (HH2). Also called: FGFR1-Related GnRH Deficiency (Kallmann Syndrome 2); HYPOGONADOTROPIC HYPOGONADISM 2 WITHOUT ANOSMIA; HYPOGONADOTROPIC HYPOGONADISM 2 WITH OR WITHOUT ANOSMIA, SUSCEPTIBILITY TO; HYPOGONADOTROPIC HYPOGONADISM 2 WITHOUT ANOSMIA, SUSCEPTIBILITY TO. Identifiers: Orphanet 478, MedGen C1563720, MONDO:0007844, OMIM 147950. Disease mechanism: loss of function.

Submission:

Reproductive Endocrine Unit, Massachusetts General Hospital
Classification: Pathogenic for Hypogonadotropic hypogonadism 2 with or without anosmia. Last evaluated: 2023-05-04. Review status: criteria provided, single submitter. Criteria: ACMG Guidelines, 2015. Collection method: research. Allele origin: inherited. Affected: yes. Observed: 1 variant allele.
Comment: The variant NM_023110.2:c.2190_2191dup, p.(Met731Thrfs*2) het has been classified as P1c based on the variant meeting the following ACMG Criteria: PVS1,PM2,PP1,PP3.

NM_023110.3(FGFR1):c.2190_2191dup (p.Met731fs)

Gene: FGFR1 (fibroblast growth factor receptor 1; minus strand). Cytogenetic location: 8p11.23.
Variant type: Duplication.
Coding change: c.2190_2191dup on transcript NM_023110.3 (MANE Select); coding-DNA positions 2190 to 2191, 2 bases duplicated (CA; older notation c.2190_2191dupCA).
Protein change: p.Met731fs; shifts the reading frame from methionine 731.
Molecular consequence: frameshift variant.
Genome position (GRCh38, 1-based): chr8:38,414,019-38,414,020, TG duplicated on the plus strand (CA on the coding strand, the reverse complement: FGFR1 is on the minus strand); duplicating any 2 consecutive bases within chr8:38,414,019-38,414,021 gives the same sequence; the c. name uses the placement nearest the transcript's 3' end. VCF-style (leftmost placement, unchanged base first): chr8-38414018-A-ATG. GRCh37 (hg19) VCF-style: chr8-38271536-A-ATG.
Other names: c.2189_2190dup, p.Met731Thrfs (NM_000604.2); c.2184_2185dup, p.Met729fs (NM_001174063.2, NM_001174065.2, NM_001354367.2 and 1 more transcripts); c.2160_2161dup, p.Met721fs (NM_001174064.2); c.1923_1924dup, p.Met642fs (NM_001174066.2, NM_023105.3); c.2283_2284dup, p.Met762fs (NM_001174067.2); c.1911_1912dup, p.Met638fs (NM_001354368.2); c.2178_2179dup, p.Met727fs (NM_001354369.2, NM_001410922.1); c.1917_1918dup, p.Met640fs (NM_001354370.2, NM_023106.3); and 1 more; short protein forms M638fs, M640fs, M642fs, M721fs, M727fs, M729fs, M731fs, M762fs.
Identifiers: ClinVar variation 2505405 (VCV002505405.1), dbSNP rs2536777334, ClinGen allele CA2580614536.
Genomic context (GRCh38, chr8:38,414,018, plus strand): 5'-ACCAGCTGCTTGAAGGTGGGTCTCTGTGAGGGCACTGCATGCCAGCAGTCCCGCATCATC[A>ATG]TGTACCTGCGGCAGGACTGTAAGGTCAGGGACGTCTCCTGGAGATGGATACTCTCTAGTC-3'